The following is an entry in ClinVar:

NM_001453.3(FOXC1):c.746G>T (p.Gly249Val)

Gene: FOXC1 (forkhead box C1; plus strand). Cytogenetic location: 6p25.3.
Variant type: single nucleotide variant.
Coding change: c.746G>T on transcript NM_001453.3 (MANE Select); coding-DNA position 746, G replaced by T.
Protein change: p.Gly249Val; replaces glycine 249 with valine.
Molecular consequence: missense variant.
Genome position (GRCh38, 1-based): chr6:1,611,191, G>T. VCF-style: chr6-1611191-G-T. GRCh37 (hg19) VCF-style: chr6-1611426-G-T.
Other names: short protein forms G249V.
Identifiers: ClinVar variation 1353762 (VCV001353762.7), dbSNP rs936269544, ClinGen allele CA362559481.

ClinVar aggregate classification (germline): Uncertain significance. Review status: criteria provided, multiple submitters, no conflicts (2 of 4 stars). 2 submissions from 2 submitters: Uncertain significance (2). Last evaluated 2025-12-31.

Conditions:
Axenfeld-Rieger syndrome type 3 (RIEG3). Also called: AXENFELD-RIEGER ANOMALY WITH CARDIAC DEFECTS AND/OR SENSORINEURAL HEARING LOSS. Identifiers: Orphanet 782, MedGen C2678503, MONDO:0011233, OMIM 602482.
Anterior segment dysgenesis 3 (ASGD3). Also called: IRIDOGONIODYSGENESIS ANOMALY, AUTOSOMAL DOMINANT; Glaucoma iridogoniodysplasia, familial. Identifiers: Orphanet 91483, MedGen C5975707, MONDO:0024456, OMIM 601631.

Allele frequency attached by ClinVar (database versions not stated): gnomAD exomes 0.00001; TOPMed 0.00002.
gnomAD v4.1: 48 of 1,459,970 alleles (0.0033%); highest among the groups gnomAD compares: Non-Finnish European, 0.004%; no homozygotes.

Submissions (2):

Labcorp Genetics (formerly Invitae), Labcorp
Classification: Uncertain significance for Axenfeld-Rieger syndrome type 3. Last evaluated: 2025-12-31. Review status: criteria provided, single submitter. Criteria: Invitae Variant Classification Sherloc (09022015). Collection method: clinical testing. Allele origin: germline.
Comment: This sequence change replaces glycine, which is neutral and non-polar, with valine, which is neutral and non-polar, at codon 249 of the FOXC1 protein (p.Gly249Val). The frequency data for this variant in the population databases is considered unreliable, as metrics indicate poor data quality at this position in the gnomAD database. This variant has not been reported in the literature in individuals affected with FOXC1-related conditions. ClinVar contains an entry for this variant (Variation ID: 1353762). An algorithm developed to predict the effect of missense changes on protein structure and function (PolyPhen-2) suggests that this variant is likely to be tolerated. In summary, the available evidence is currently insufficient to determine the role of this variant in disease. Therefore, it has been classified as a Variant of Uncertain Significance.

Fulgent Genetics
Classification: Uncertain significance for Anterior segment dysgenesis 3; Axenfeld-Rieger syndrome type 3. Last evaluated: 2023-12-22. Review status: criteria provided, single submitter. Criteria: ACMG Guidelines, 2015. Collection method: clinical testing. Allele origin: germline.